The following is an entry in ClinVar:

ClinVar aggregate classification (germline): Likely benign (0 of 4 stars; one submission).

Conditions:
TPP2-related disorder. Also called: TPP2-related condition.

gnomAD v4.1: 4 of 1,611,236 alleles (0.00025%); highest among the groups gnomAD compares: Admixed American, 0.0033%; no homozygotes.

Submission:

PreventionGenetics, part of Exact Sciences
Classification: Likely benign for TPP2-related condition. Last evaluated: 2024-08-06. Review status: no assertion criteria provided. Collection method: clinical testing. Allele origin: germline.
Comment: This variant is classified as likely benign based on ACMG/AMP sequence variant interpretation guidelines (Richards et al. 2015 PMID: 25741868, with internal and published modifications).

NM_001330588.2(TPP2):c.-9C>T

Genes: TPP2 (tripeptidyl peptidase 2; plus strand), LOC130010073 (ATAC-STARR-seq lymphoblastoid silent region 5481; plus strand). Cytogenetic location: 13q33.1.
Variant type: single nucleotide variant.
Coding change: c.-9C>T on transcript NM_001330588.2 (MANE Select); 9 bases upstream of the start codon, C replaced by T.
Molecular consequence: 5 prime UTR variant. On other transcripts: non-coding transcript variant (1).
Genome position (GRCh38, 1-based): chr13:102,597,030, C>T. VCF-style: chr13-102597030-C-T. GRCh37 (hg19) VCF-style: chr13-103249380-C-T.
Other names: c.-9C>T (NM_001367947.1, NM_003291.4).
Identifiers: ClinVar variation 3354712 (VCV003354712.1).